The following is an entry in ClinVar:

ClinVar aggregate classification (germline): Uncertain significance (1 of 4 stars; one submission).

Conditions:
Pyridoxine-dependent epilepsy (EPEO4). Also called: PYRIDOXINE DEPENDENCY WITH SEIZURES; Pyridoxine-Dependent Epilepsy - ALDH7A1; EPILEPSY, EARLY-ONSET, 4, VITAMIN B6-DEPENDENT; Pyridoxine-Dependent Seizures. Identifiers: Orphanet 3006, MedGen C1849508, MONDO:0009945, OMIM 266100. Disease mechanism: loss of function.

Submission:

Labcorp Genetics (formerly Invitae), Labcorp
Classification: Uncertain significance for Pyridoxine-dependent epilepsy. Last evaluated: 2020-02-17. Review status: criteria provided, single submitter. Criteria: Invitae Variant Classification Sherloc (09022015). Collection method: clinical testing. Allele origin: germline.
Comment: This sequence change replaces valine with methionine at codon 54 of the ALDH7A1 protein (p.Val54Met). The valine residue is highly conserved and there is a small physicochemical difference between valine and methionine. This variant is not present in population databases (ExAC no frequency). This variant has not been reported in the literature in individuals with ALDH7A1-related conditions. Algorithms developed to predict the effect of missense changes on protein structure and function are either unavailable or do not agree on the potential impact of this missense change (SIFT: "Deleterious"; PolyPhen-2: "Possibly Damaging"; Align-GVGD: "Class C0"). In summary, the available evidence is currently insufficient to determine the role of this variant in disease. Therefore, it has been classified as a Variant of Uncertain Significance.

NM_001182.5(ALDH7A1):c.160G>A (p.Val54Met)

Gene: ALDH7A1 (aldehyde dehydrogenase 7 family member A1; minus strand). Cytogenetic location: 5q23.2.
Variant type: single nucleotide variant.
Coding change: c.160G>A on transcript NM_001182.5 (MANE Select); coding-DNA position 160, G replaced by A.
Protein change: p.Val54Met; replaces valine 54 with methionine.
Molecular consequence: missense variant.
Genome position (GRCh38, 1-based): chr5:126,595,039, C>T on the plus strand (G>A on the coding strand, the complement: ALDH7A1 is on the minus strand). VCF-style: chr5-126595039-C-T. GRCh37 (hg19) VCF-style: chr5-125930731-C-T.
Other names: c.76G>A, p.Val26Met (NM_001201377.2); c.160G>A, p.Val54Met (NM_001202404.2); short protein forms V26M, V54M.
Identifiers: ClinVar variation 1006972 (VCV001006972.10), dbSNP rs1751695700, ClinGen allele CA360733720.